The following is an entry in ClinVar:

NM_005902.4(SMAD3):c.897C>T (p.Ile299=)

Gene: SMAD3 (SMAD family member 3; plus strand). Cytogenetic location: 15q22.33.
Variant type: single nucleotide variant.
Coding change: c.897C>T on transcript NM_005902.4 (MANE Select); coding-DNA position 897, C replaced by T.
Protein change: p.Ile299=; no amino-acid change (isoleucine 299 retained).
Molecular consequence: synonymous variant.
Genome position (GRCh38, 1-based): chr15:67,184,752, C>T. VCF-style: chr15-67184752-C-T. GRCh37 (hg19) VCF-style: chr15-67477090-C-T.
Other names: c.582C>T, p.Ile194= (NM_001145102.2); c.765C>T, p.Ile255= (NM_001145103.2); c.312C>T, p.Ile104= (NM_001145104.2).
Identifiers: ClinVar variation 704026 (VCV000704026.12), dbSNP rs773943578, ClinGen allele CA062835.
Genomic context (GRCh38, chr15:67,184,752, plus strand): 5'-AGGCACCCTGTCCAGTCTAACCTGAATCTCTGTAGGAAGAGGCGTGCGGCTCTACTACAT[C>T]GGAGGGGAGGTCTTCGCAGAGTGCCTCAGTGACAGCGCTATTTTTGTCCAGTCTCCCAAC-3'
Protein context (NP_005893.1, residues 289-309): HIGRGVRLYY[Ile299=]GGEVFAECLS

ClinVar aggregate classification (germline): Likely benign. Review status: criteria provided, multiple submitters, no conflicts (2 of 4 stars). 4 submissions from 4 submitters: Likely benign (4). Last evaluated 2026-01-02.

Conditions:
Aneurysm-osteoarthritis syndrome. Also called: SMAD3-Related Loeys-Dietz Syndrome; ANEURYSMS-OSTEOARTHRITIS SYNDROME; Loeys-Dietz syndrome, type 1C; LOEYS-DIETZ SYNDROME WITH OSTEOARTHRITIS. Identifiers: Orphanet 284984, MedGen C3151087, MONDO:0013426, OMIM 613795.
Familial thoracic aortic aneurysm and aortic dissection (TAAD). Also called: Thoracic aortic aneurysms and dissections. Identifiers: Orphanet 91387, MedGen C4707243, MONDO:0019625.

Allele frequency attached by ClinVar (database versions not stated): gnomAD 0.00001 and 0.00002; ExAC 0.00002; gnomAD exomes 0.00002; TOPMed 0.00002.
gnomAD v4.1: 32 of 1,613,948 alleles (0.002%); highest among the groups gnomAD compares: Middle Eastern, 0.017%; no homozygotes.

Submissions (4):

Labcorp Genetics (formerly Invitae), Labcorp
Classification: Likely benign for Familial thoracic aortic aneurysm and aortic dissection. Last evaluated: 2026-01-02. Review status: criteria provided, single submitter. Criteria: Invitae Variant Classification Sherloc (09022015). Collection method: clinical testing. Allele origin: germline.

All of Us Research Program, National Institutes of Health
Classification: Likely benign for Aneurysm-osteoarthritis syndrome. Last evaluated: 2024-01-11. Review status: criteria provided, single submitter. Criteria: ACMG Guidelines, 2015. Collection method: clinical testing. Allele origin: germline. Inheritance: Autosomal dominant inheritance. Observed: 5 variant alleles, 5 heterozygotes.
Comment: This study involves interpretation of variants in research participants for the purpose of population health screening. Participant phenotype was not available at the time of variant classification. Additional details can be found in publication PMID: 35346344, PMCID: PMC8962531

Ambry Genetics
Classification: Likely benign for Familial thoracic aortic aneurysm and aortic dissection. Last evaluated: 2023-12-12. Review status: criteria provided, single submitter. Criteria: Ambry Variant Classification Scheme 2023. Collection method: clinical testing. Allele origin: germline.

Color Diagnostics, LLC DBA Color Health
Classification: Likely benign for Familial thoracic aortic aneurysm and aortic dissection. Last evaluated: 2018-11-27. Review status: criteria provided, single submitter. Criteria: ACMG Guidelines, 2015. Collection method: clinical testing. Allele origin: germline.